The following is an entry in ClinVar:

ClinVar aggregate classification (germline): Likely benign (0 of 4 stars; one submission).

Conditions:
DMBT1-related disorder. Also called: DMBT1-related condition.

Allele frequency attached by ClinVar (database versions not stated): TOPMed below 0.00001; gnomAD 0.00001; gnomAD exomes 0.00003; ExAC 0.00008.
gnomAD v4.1: 50 of 1,613,676 alleles (0.0031%); highest among the groups gnomAD compares: South Asian, 0.046%; 1 homozygote.

Submission:

PreventionGenetics, part of Exact Sciences
Classification: Likely benign for DMBT1-related condition. Last evaluated: 2019-09-19. Review status: no assertion criteria provided. Collection method: clinical testing. Allele origin: germline.
Comment: This variant is classified as likely benign based on ACMG/AMP sequence variant interpretation guidelines (Richards et al. 2015 PMID: 25741868, with internal and published modifications).

NM_001377530.1(DMBT1):c.1033+10C>T

Gene: DMBT1 (deleted in malignant brain tumors 1; plus strand). Cytogenetic location: 10q26.13.
Variant type: single nucleotide variant.
Coding change: c.1033+10C>T on transcript NM_001377530.1 (MANE Select); 10 bases into the intron after coding-DNA position 1033, C replaced by T.
Molecular consequence: intron variant.
Genome position (GRCh38, 1-based): chr10:122,580,905, C>T. VCF-style: chr10-122580905-C-T. GRCh37 (hg19) VCF-style: chr10-124340421-C-T.
Other names: c.1033+10C>T (NM_007329.3, NM_001320644.2, NM_004406.3 and 1 more transcripts).
Identifiers: ClinVar variation 3041039 (VCV003041039.2), dbSNP rs749462692, ClinGen allele CA5726737.